The following is an entry in ClinVar:

ClinVar aggregate classification (germline): Uncertain significance (1 of 4 stars; one submission).

Conditions:
Intellectual disability, autosomal recessive 42 (NEDDSBA). Also called: GLYCOSYLPHOSPHATIDYLINOSITOL BIOSYNTHESIS DEFECT 9; Neurodevelopmental disorder with dysmorphic features, spasticity, and brain abnormalities. Identifiers: Orphanet 88616, MedGen C4014343, MONDO:0014348, OMIM 615802.

Allele frequency attached by ClinVar (database versions not stated): TOPMed 0.00001; gnomAD 0.00001.
gnomAD v4.1: 2 of 1,612,806 alleles (0.00012%); highest among the groups gnomAD compares: Non-Finnish European, 0.00017%; no homozygotes.

Submission:

Labcorp Genetics (formerly Invitae), Labcorp
Classification: Uncertain significance for Intellectual disability, autosomal recessive 42. Last evaluated: 2017-09-29. Review status: criteria provided, single submitter. Criteria: Invitae Variant Classification Sherloc (09022015). Collection method: clinical testing. Allele origin: germline.
Comment: In summary, the available evidence is currently insufficient to determine the role of this variant in disease. Therefore, it has been classified as a Variant of Uncertain Significance. Algorithms developed to predict the effect of missense changes on protein structure and function (SIFT, PolyPhen-2, Align-GVGD) all suggest that this variant is likely to be tolerated, but these predictions have not been confirmed by published functional studies and their clinical significance is uncertain. This variant has not been reported in the literature in individuals with PGAP1-related disease. This variant is not present in population databases (ExAC no frequency). This sequence change replaces lysine with asparagine at codon 881 of the PGAP1 protein (p.Lys881Asn). The lysine residue is highly conserved and there is a moderate physicochemical difference between lysine and asparagine.

NM_024989.4(PGAP1):c.2643G>C (p.Lys881Asn)

Gene: PGAP1 (post-GPI attachment to proteins inositol deacylase 1; minus strand). Cytogenetic location: 2q33.1.
Variant type: single nucleotide variant.
Coding change: c.2643G>C on transcript NM_024989.4 (MANE Select); coding-DNA position 2643, G replaced by C.
Protein change: p.Lys881Asn; replaces lysine 881 with asparagine.
Molecular consequence: missense variant.
Genome position (GRCh38, 1-based): chr2:196,841,360, C>G on the plus strand (G>C on the coding strand, the complement: PGAP1 is on the minus strand). VCF-style: chr2-196841360-C-G. GRCh37 (hg19) VCF-style: chr2-197706084-C-G.
Other names: c.2121G>C, p.Lys707Asn (NM_001321099.2); c.1476G>C, p.Lys492Asn (NM_001321100.2); short protein forms K881N, K707N, K492N.
Identifiers: ClinVar variation 541838 (VCV000541838.9), dbSNP rs776985592, ClinGen allele CA350182707.